The following is an entry in ClinVar:

ClinVar aggregate classification (germline): Uncertain significance (1 of 4 stars; one submission).

gnomAD v4.1: 11 of 1,551,918 alleles (0.00071%); highest among the groups gnomAD compares: Middle Eastern, 0.033%; 1 homozygote.

Submission:

Labcorp Genetics (formerly Invitae), Labcorp
Classification: Uncertain significance. Last evaluated: 2024-10-15. Review status: criteria provided, single submitter. Criteria: Invitae Variant Classification Sherloc (09022015). Collection method: clinical testing. Allele origin: germline.
Comment: This sequence change replaces glutamic acid, which is acidic and polar, with lysine, which is basic and polar, at codon 371 of the KMT2B protein (p.Glu371Lys). This variant is not present in population databases (gnomAD no frequency). This variant has not been reported in the literature in individuals affected with KMT2B-related conditions. Invitae Evidence Modeling of protein sequence and biophysical properties (such as structural, functional, and spatial information, amino acid conservation, physicochemical variation, residue mobility, and thermodynamic stability) indicates that this missense variant is not expected to disrupt KMT2B protein function with a negative predictive value of 95%. In summary, the available evidence is currently insufficient to determine the role of this variant in disease. Therefore, it has been classified as a Variant of Uncertain Significance.

NM_014727.3(KMT2B):c.1111G>A (p.Glu371Lys)

Gene: KMT2B (lysine methyltransferase 2B; plus strand). Cytogenetic location: 19q13.12.
Variant type: single nucleotide variant.
Coding change: c.1111G>A on transcript NM_014727.3 (MANE Select); coding-DNA position 1111, G replaced by A.
Protein change: p.Glu371Lys; replaces glutamic acid 371 with lysine.
Molecular consequence: missense variant.
Genome position (GRCh38, 1-based): chr19:35,720,458, G>A. VCF-style: chr19-35720458-G-A. GRCh37 (hg19) VCF-style: chr19-36211360-G-A.
Other names: short protein forms E371K.
Identifiers: ClinVar variation 2961552 (VCV002961552.3), dbSNP rs779453478, ClinGen allele CA9384183.